The following is an entry in ClinVar:

ClinVar aggregate classification (germline): Uncertain significance (1 of 4 stars; one submission).

Conditions:
Neutral lipid storage myopathy (NLSDM). Also called: NEUTRAL LIPID STORAGE DISEASE WITHOUT ICHTHYOSIS. Identifiers: Orphanet 98908, MedGen C1853136, MONDO:0012545, OMIM 610717.

Allele frequency attached by ClinVar (database versions not stated): gnomAD exomes below 0.00001; ExAC 0.00001; gnomAD 0.00002; TOPMed 0.00003.
gnomAD v4.1: 12 of 1,610,556 alleles (0.00075%); highest among the groups gnomAD compares: Admixed American, 0.0067%; no homozygotes.

Submission:

Labcorp Genetics (formerly Invitae), Labcorp
Classification: Uncertain significance for Neutral lipid storage myopathy. Last evaluated: 2022-11-15. Review status: criteria provided, single submitter. Criteria: Invitae Variant Classification Sherloc (09022015). Collection method: clinical testing. Allele origin: germline.
Comment: In summary, the available evidence is currently insufficient to determine the role of this variant in disease. Therefore, it has been classified as a Variant of Uncertain Significance. Advanced modeling of protein sequence and biophysical properties (such as structural, functional, and spatial information, amino acid conservation, physicochemical variation, residue mobility, and thermodynamic stability) performed at Invitae indicates that this missense variant is not expected to disrupt PNPLA2 protein function. ClinVar contains an entry for this variant (Variation ID: 465797). This variant has not been reported in the literature in individuals affected with PNPLA2-related conditions. The frequency data for this variant in the population databases is considered unreliable, as metrics indicate poor data quality at this position in the gnomAD database. This sequence change replaces methionine, which is neutral and non-polar, with isoleucine, which is neutral and non-polar, at codon 237 of the PNPLA2 protein (p.Met237Ile).

NM_020376.4(PNPLA2):c.711G>A (p.Met237Ile)

Gene: PNPLA2 (patatin like domain 2, triacylglycerol lipase; plus strand). Cytogenetic location: 11p15.5.
Variant type: single nucleotide variant.
Coding change: c.711G>A on transcript NM_020376.4 (MANE Select); coding-DNA position 711, G replaced by A.
Protein change: p.Met237Ile; replaces methionine 237 with isoleucine.
Molecular consequence: missense variant.
Genome position (GRCh38, 1-based): chr11:823,541, G>A. VCF-style: chr11-823541-G-A. GRCh37 (hg19) VCF-style: chr11-823541-G-A.
Other names: short protein forms M237I.
Identifiers: ClinVar variation 465797 (VCV000465797.8), dbSNP rs768686938, ClinGen allele CA5791118.